The following is an entry in ClinVar:

NM_013275.6(ANKRD11):c.5387GGA[1] (p.Arg1797del)

Gene: ANKRD11 (ankyrin repeat domain 11; minus strand). Cytogenetic location: 16q24.3.
Variant type: Microsatellite.
Coding change: c.5387GGA[1] on transcript NM_013275.6 (MANE Select); one copy of the 3-base unit GGA starting at c.5387; the reference has two copies in a row; one copy, 3 bases deleted; also written c.5390_5392del.
Protein change: p.Arg1797del; deletes arginine 1797.
Genome position (GRCh38, 1-based): chr16:89,281,150-89,281,152, TCC deleted on the plus strand (GGA on the coding strand, the reverse complement: ANKRD11 is on the minus strand); deleting any 3 consecutive bases within chr16:89,281,150-89,281,156 gives the same sequence; the position shown is the placement nearest the transcript's 3' end. VCF-style (leftmost placement, unchanged base first): chr16-89281149-GTCC-G. GRCh37 (hg19) VCF-style: chr16-89347557-GTCC-G.
Other names: c.5387GGA[1], p.Arg1797del (NM_001256182.2, NM_001256183.2); c.5390_5392del (NM_013275.6); short protein forms R1797del.
Identifiers: ClinVar variation 3364156 (VCV003364156.3).
Genomic context (GRCh38, chr16:89,281,149, plus strand): 5'-GCAGCAGGAACGCTCTGCTGCCTGAAGAGCTTGTCTCCGACGCTGAATTCTTCCTCGGGG[GTCC>G]TCCTAATGTCGACAGAGACCGAGCGGTAAAGGTTTGTGGAGAGAGGCCTGGCAGGAGCCT-3'

ClinVar aggregate classification (germline): Uncertain significance. Review status: criteria provided, multiple submitters, no conflicts (2 of 4 stars). 2 submissions from 2 submitters: Uncertain significance (2). Last evaluated 2023-11-08.

Conditions:
KBG syndrome (KBGS). Also called: ANKRD11-Related KBG Syndrome. Identifiers: Orphanet 2332, MedGen C0220687, MONDO:0007846, OMIM 148050.

Submissions (2):

GeneDx
Classification: Uncertain significance. Last evaluated: 2023-11-08. Review status: criteria provided, single submitter. Criteria: GeneDx Variant Classification Process June 2021. Collection method: clinical testing. Allele origin: germline. Affected: yes.
Comment: Not observed at significant frequency in large population cohorts (gnomAD); In-frame deletion of 1 amino acid in a non-repeat region; In silico analysis supports a deleterious effect on protein structure/function; Has not been previously published as pathogenic or benign to our knowledge

Juno Genomics, Hangzhou Juno Genomics, Inc
Classification: Uncertain significance for KBG syndrome. Review status: criteria provided, single submitter. Criteria: ACMG Guidelines, 2015. Collection method: clinical testing. Allele origin: germline.
Comment: Absent from controls (or at extremely low frequency if recessive) in Genome Aggregation Database.;Protein length changes due to in-frame deletions/insertions in a non-repeat region or stop-loss variants.